The following is an entry in ClinVar:

ClinVar aggregate classification (germline): Uncertain significance (1 of 4 stars; one submission).

Conditions:
Familial melanoma. Also called: Hereditary melanoma; Hereditary cutaneous melanoma. Identifiers: Orphanet 618, MedGen C1512419, MONDO:0018961.

Submission:

Labcorp Genetics (formerly Invitae), Labcorp
Classification: Uncertain significance for Familial melanoma. Last evaluated: 2025-06-19. Review status: criteria provided, single submitter. Criteria: Invitae Variant Classification Sherloc (09022015). Collection method: clinical testing. Allele origin: germline.
Comment: This sequence change replaces aspartic acid, which is acidic and polar, with glutamic acid, which is acidic and polar, at codon 99 of the CDK4 protein (p.Asp99Glu). This variant is not present in population databases (gnomAD no frequency). This variant has not been reported in the literature in individuals affected with CDK4-related conditions. Invitae Evidence Modeling of protein sequence and biophysical properties (such as structural, functional, and spatial information, amino acid conservation, physicochemical variation, residue mobility, and thermodynamic stability) indicates that this missense variant is expected to disrupt CDK4 protein function with a positive predictive value of 95%. In summary, the available evidence is currently insufficient to determine the role of this variant in disease. Therefore, it has been classified as a Variant of Uncertain Significance.

NM_000075.4(CDK4):c.297C>G (p.Asp99Glu)

Gene: CDK4 (cyclin dependent kinase 4; minus strand). Cytogenetic location: 12q14.1.
Variant type: single nucleotide variant.
Coding change: c.297C>G on transcript NM_000075.4 (MANE Select); coding-DNA position 297, C replaced by G.
Protein change: p.Asp99Glu; replaces aspartic acid 99 with glutamic acid.
Molecular consequence: missense variant.
Genome position (GRCh38, 1-based): chr12:57,751,264, G>C on the plus strand (C>G on the coding strand, the complement: CDK4 is on the minus strand). VCF-style: chr12-57751264-G-C. GRCh37 (hg19) VCF-style: chr12-58145047-G-C.
Other names: short protein forms D99E.
Identifiers: ClinVar variation 4803060 (VCV004803060.1).